The following is an entry in ClinVar:

NM_001256071.3(RNF213):c.13986A>T (p.Leu4662Phe)

Genes: RNF213 (ring finger protein 213; plus strand), RNF213-AS1 (RNF213 antisense RNA 1; minus strand). Cytogenetic location: 17q25.3.
Variant type: single nucleotide variant.
Coding change: c.13986A>T on transcript NM_001256071.3 (MANE Select); coding-DNA position 13986, A replaced by T.
Protein change: p.Leu4662Phe; replaces leucine 4662 with phenylalanine.
Molecular consequence: missense variant.
Genome position (GRCh38, 1-based): chr17:80,382,986, A>T. VCF-style: chr17-80382986-A-T. GRCh37 (hg19) VCF-style: chr17-78356786-A-T.
Other names: c.14133A>T, p.Leu4711Phe (NM_001410195.1, NM_020914.5); short protein forms L4662F, L4711F.
Identifiers: ClinVar variation 4686288 (VCV004686288.1).

ClinVar aggregate classification (germline): Uncertain significance (1 of 4 stars; one submission).

Submission:

GeneDx
Classification: Uncertain significance. Last evaluated: 2025-07-17. Review status: criteria provided, single submitter. Criteria: GeneDx Variant Classification Process June 2021. Collection method: clinical testing. Allele origin: germline. Affected: yes.
Comment: Not observed at significant frequency in large population cohorts (gnomAD); In silico analysis suggests that this missense variant does not alter protein structure/function; In silico analysis suggests this variant may impact gene splicing. In the absence of RNA/functional studies, the actual effect of this sequence change is unknown.; Has not been previously published as pathogenic or benign to our knowledge